The following is an entry in ClinVar:

NM_001286.5(CLCN6):c.623C>T (p.Ser208Leu)

Gene: CLCN6 (chloride voltage-gated channel 6; plus strand). Cytogenetic location: 1p36.22.
Variant type: single nucleotide variant.
Coding change: c.623C>T on transcript NM_001286.5 (MANE Select); coding-DNA position 623, C replaced by T.
Protein change: p.Ser208Leu; replaces serine 208 with leucine.
Molecular consequence: missense variant. On other transcripts: non-coding transcript variant (1).
Genome position (GRCh38, 1-based): chr1:11,824,528, C>T. VCF-style: chr1-11824528-C-T. GRCh37 (hg19) VCF-style: chr1-11884585-C-T.
Other names: c.623C>T (NM_001286.2); c.557C>T, p.Ser186Leu (NM_001256959.2); short protein forms S208L, S186L.
Identifiers: ClinVar variation 2018719 (VCV002018719.6), dbSNP rs750697542, ClinGen allele CA596161.
Genomic context (GRCh38, chr1:11,824,528, plus strand): 5'-CTTTTTCACCCTGCCCAGGGCTCTTCGTGGAGAAGGAAGGCCCCATGATCCACAGTGGTT[C>T]GGTGGTGGGAGCTGGCCTCCCTCAGGTAAGATGGGCTGAGAGGGTGTGGGCCTCTGGGCA-3'
Protein context (NP_001277.2, residues 198-218): EKEGPMIHSG[Ser208Leu]VVGAGLPQFQ

ClinVar aggregate classification (germline): Uncertain significance. Review status: criteria provided, multiple submitters, no conflicts (2 of 4 stars). 2 submissions from 2 submitters: Uncertain significance (2). Last evaluated 2023-05-22.

Allele frequency attached by ClinVar (database versions not stated): gnomAD 0.00001; TOPMed 0.00001.
gnomAD v4.1: 12 of 1,613,420 alleles (0.00074%); highest among the groups gnomAD compares: Admixed American, 0.005%; no homozygotes.

Submissions (2):

Labcorp Genetics (formerly Invitae), Labcorp
Classification: Uncertain significance. Last evaluated: 2023-05-22. Review status: criteria provided, single submitter. Criteria: Invitae Variant Classification Sherloc (09022015). Collection method: clinical testing. Allele origin: germline.
Comment: In summary, the available evidence is currently insufficient to determine the role of this variant in disease. Therefore, it has been classified as a Variant of Uncertain Significance. An algorithm developed to predict the effect of missense changes on protein structure and function (PolyPhen-2) suggests that this variant is likely to be tolerated. ClinVar contains an entry for this variant (Variation ID: 2018719). This variant has not been reported in the literature in individuals affected with CLCN6-related conditions. This variant is present in population databases (rs750697542, gnomAD 0.009%). This sequence change replaces serine, which is neutral and polar, with leucine, which is neutral and non-polar, at codon 208 of the CLCN6 protein (p.Ser208Leu).

Ambry Genetics
Classification: Uncertain significance. Last evaluated: 2023-04-07. Review status: criteria provided, single submitter. Criteria: Ambry Variant Classification Scheme 2023. Collection method: clinical testing. Allele origin: germline.